The following is an entry in ClinVar:

ClinVar aggregate classification (germline): Uncertain significance (1 of 4 stars; one submission).

Conditions:
Fanconi anemia (FA). Also called: Fanconi's anemia. Identifiers: Orphanet 84, MedGen C0015625, MeSH D005199, MONDO:0019391.

Submission:

Labcorp Genetics (formerly Invitae), Labcorp
Classification: Uncertain significance for Fanconi anemia. Last evaluated: 2024-03-27. Review status: criteria provided, single submitter. Criteria: Invitae Variant Classification Sherloc (09022015). Collection method: clinical testing. Allele origin: germline.
Comment: This sequence change replaces alanine, which is neutral and non-polar, with proline, which is neutral and non-polar, at codon 1942 of the FANCM protein (p.Ala1942Pro). This variant is not present in population databases (gnomAD no frequency). This variant has not been reported in the literature in individuals affected with FANCM-related conditions. An algorithm developed to predict the effect of missense changes on protein structure and function (PolyPhen-2) suggests that this variant is likely to be disruptive. In summary, the available evidence is currently insufficient to determine the role of this variant in disease. Therefore, it has been classified as a Variant of Uncertain Significance.

NM_020937.4(FANCM):c.5824G>C (p.Ala1942Pro)

Gene: FANCM (FA complementation group M; plus strand). Cytogenetic location: 14q21.2.
Variant type: single nucleotide variant.
Coding change: c.5824G>C on transcript NM_020937.4 (MANE Select); coding-DNA position 5824, G replaced by C.
Protein change: p.Ala1942Pro; replaces alanine 1942 with proline.
Molecular consequence: missense variant.
Genome position (GRCh38, 1-based): chr14:45,198,751, G>C. VCF-style: chr14-45198751-G-C. GRCh37 (hg19) VCF-style: chr14-45667954-G-C.
Other names: c.5746G>C, p.Ala1916Pro (NM_001308133.2); short protein forms A1916P, A1942P.
Identifiers: ClinVar variation 3610537 (VCV003610537.2).